The following is an entry in ClinVar:

NM_012470.4(TNPO3):c.1927C>T (p.Pro643Ser)

Gene: TNPO3 (transportin 3; minus strand). Cytogenetic location: 7q32.1.
Variant type: single nucleotide variant.
Coding change: c.1927C>T on transcript NM_012470.4 (MANE Select); coding-DNA position 1927, C replaced by T.
Protein change: p.Pro643Ser; replaces proline 643 with serine.
Molecular consequence: missense variant. On other transcripts: non-coding transcript variant (14), intron variant (1).
Genome position (GRCh38, 1-based): chr7:128,979,117, G>A on the plus strand (C>T on the coding strand, the complement: TNPO3 is on the minus strand). VCF-style: chr7-128979117-G-A. GRCh37 (hg19) VCF-style: chr7-128619171-G-A.
Other names: c.1735C>T, p.Pro579Ser (NM_001191028.3, NM_001382223.1); c.2029C>T, p.Pro677Ser (NM_001382216.1); c.2008C>T, p.Pro670Ser (NM_001382217.1); c.1927C>T, p.Pro643Ser (NM_001382218.1); c.1819C>T, p.Pro607Ser (NM_001382219.1); c.1783C>T, p.Pro595Ser (NM_001382221.1); c.1780C>T, p.Pro594Ser (NM_001382222.1); c.1920+854C>T (NM_001382220.1); short protein forms P643S, P579S, P594S, P595S, P607S, P670S, P677S.
Identifiers: ClinVar variation 464847 (VCV000464847.9), dbSNP rs1400881026, ClinGen allele CA369221757.

ClinVar aggregate classification (germline): Uncertain significance (1 of 4 stars; one submission).

Conditions:
Autosomal dominant limb-girdle muscular dystrophy type 1F (LGMDD2). Also called: Limb-girdle muscular dystrophy, type 1F; MUSCULAR DYSTROPHY, LIMB-GIRDLE, AUTOSOMAL DOMINANT 2. Identifiers: Orphanet 55595, MedGen C1842062, MONDO:0012034, OMIM 608423.

Allele frequency attached by ClinVar (database versions not stated): TOPMed below 0.00001; gnomAD 0.00001.
gnomAD v4.1: 4 of 1,613,844 alleles (0.00025%); highest among the groups gnomAD compares: African/African-American, 0.0013%; no homozygotes.

Submission:

Labcorp Genetics (formerly Invitae), Labcorp
Classification: Uncertain significance for Autosomal dominant limb-girdle muscular dystrophy type 1F. Last evaluated: 2023-07-17. Review status: criteria provided, single submitter. Criteria: Invitae Variant Classification Sherloc (09022015). Collection method: clinical testing. Allele origin: germline.
Comment: ClinVar contains an entry for this variant (Variation ID: 464847). In summary, the available evidence is currently insufficient to determine the role of this variant in disease. Therefore, it has been classified as a Variant of Uncertain Significance. Advanced modeling of protein sequence and biophysical properties (such as structural, functional, and spatial information, amino acid conservation, physicochemical variation, residue mobility, and thermodynamic stability) performed at Invitae indicates that this missense variant is not expected to disrupt TNPO3 protein function. This variant has not been reported in the literature in individuals affected with TNPO3-related conditions. This variant is not present in population databases (gnomAD no frequency). This sequence change replaces proline, which is neutral and non-polar, with serine, which is neutral and polar, at codon 643 of the TNPO3 protein (p.Pro643Ser).